The following is an entry in ClinVar:

NM_004817.4(TJP2):c.3376_3387del (p.Lys1126_Pro1129del)

Gene: TJP2 (tight junction protein 2; plus strand). Cytogenetic location: 9q21.11.
Variant type: Deletion.
Coding change: c.3376_3387del on transcript NM_004817.4 (MANE Select); coding-DNA positions 3376 to 3387, 12 bases deleted (AAGCCAGACCCT).
Protein change: p.Lys1126_Pro1129del.
Molecular consequence: inframe deletion.
Genome position (GRCh38, 1-based): chr9:69,252,869-69,252,880, AAGCCAGACCCT deleted. VCF-style (leftmost placement, unchanged base first): chr9-69252868-CAAGCCAGACCCT-C. GRCh37 (hg19) VCF-style: chr9-71867784-CAAGCCAGACCCT-C.
Other names: c.2866_2877del, p.Lys956_Pro959del (NM_001170414.2); c.3277_3288del, p.Lys1093_Pro1096del (NM_001170415.1); c.3469_3480del, p.Lys1157_Pro1160del (NM_001170416.2); c.3301_3312del, p.Lys1101_Pro1104del (NM_001369870.1); c.3307_3318del, p.Lys1103_Pro1106del (NM_001369871.1); c.3265_3276del, p.Lys1089_Pro1092del (NM_001369872.1); c.3052_3063del, p.Lys1018_Pro1021del (NM_001369873.1); c.2947_2958del, p.Lys983_Pro986del (NM_001369874.1); and 2 more.
Identifiers: ClinVar variation 1506444 (VCV001506444.8), dbSNP rs1563965205, ClinGen allele CA588212598.

ClinVar aggregate classification (germline): Uncertain significance (1 of 4 stars; one submission).

Allele frequency attached by ClinVar (database versions not stated): gnomAD exomes below 0.00001.

Submission:

Labcorp Genetics (formerly Invitae), Labcorp
Classification: Uncertain significance. Last evaluated: 2022-09-19. Review status: criteria provided, single submitter. Criteria: Invitae Variant Classification Sherloc (09022015). Collection method: clinical testing. Allele origin: germline.
Comment: ClinVar contains an entry for this variant (Variation ID: 1506444). In summary, the available evidence is currently insufficient to determine the role of this variant in disease. Therefore, it has been classified as a Variant of Uncertain Significance. Experimental studies and prediction algorithms are not available or were not evaluated, and the functional significance of this variant is currently unknown. This variant has not been reported in the literature in individuals affected with TJP2-related conditions. The frequency data for this variant in the population databases is considered unreliable, as metrics indicate poor data quality at this position in the gnomAD database. This variant, c.3376_3387del, results in the deletion of 4 amino acid(s) of the TJP2 protein (p.Lys1126_Pro1129del), but otherwise preserves the integrity of the reading frame.